The following is an entry in ClinVar:

ClinVar aggregate classification (germline): Uncertain significance. Review status: criteria provided, multiple submitters, no conflicts (2 of 4 stars). 2 submissions from 2 submitters: Uncertain significance (2). Last evaluated 2024-06-30.

Allele frequency attached by ClinVar (database versions not stated): gnomAD 0.00001; TOPMed 0.00004; ExAC 0.00005; gnomAD exomes 0.00005 and 0.00011.
gnomAD v4.1: 34 of 1,614,020 alleles (0.0021%); highest among the groups gnomAD compares: Admixed American, 0.052%; no homozygotes.

Submissions (2):

Ambry Genetics
Classification: Uncertain significance. Last evaluated: 2024-06-30. Review status: criteria provided, single submitter. Criteria: Ambry Variant Classification Scheme 2023. Collection method: clinical testing. Allele origin: germline.

Labcorp Genetics (formerly Invitae), Labcorp
Classification: Uncertain significance. Last evaluated: 2021-08-12. Review status: criteria provided, single submitter. Criteria: Invitae Variant Classification Sherloc (09022015). Collection method: clinical testing. Allele origin: germline.
Comment: This variant is present in population databases (rs753262034, ExAC 0.04%). In summary, the available evidence is currently insufficient to determine the role of this variant in disease. Therefore, it has been classified as a Variant of Uncertain Significance. Algorithms developed to predict the effect of missense changes on protein structure and function are either unavailable or do not agree on the potential impact of this missense change (SIFT: "Deleterious"; PolyPhen-2: "Probably Damaging"; Align-GVGD: "Class C0"). This variant has not been reported in the literature in individuals affected with KCNK18-related conditions. This sequence change replaces leucine with serine at codon 62 of the KCNK18 protein (p.Leu62Ser). The leucine residue is moderately conserved and there is a large physicochemical difference between leucine and serine.

NM_181840.1(KCNK18):c.185T>C (p.Leu62Ser)

Gene: KCNK18 (potassium two pore domain channel subfamily K member 18; plus strand). Cytogenetic location: 10q25.3.
Variant type: single nucleotide variant.
Coding change: c.185T>C on transcript NM_181840.1 (MANE Select); coding-DNA position 185, T replaced by C.
Protein change: p.Leu62Ser; replaces leucine 62 with serine.
Molecular consequence: missense variant.
Genome position (GRCh38, 1-based): chr10:117,197,673, T>C. VCF-style: chr10-117197673-T-C. GRCh37 (hg19) VCF-style: chr10-118957184-T-C.
Other names: short protein forms L62S.
Identifiers: ClinVar variation 1398272 (VCV001398272.5), dbSNP rs753262034, ClinGen allele CA5709890.